The following is an entry in ClinVar:

ClinVar aggregate classification (germline): Uncertain significance (1 of 4 stars; one submission).

Conditions:
Congenital myotonia, autosomal recessive form. Also called: BECKER DISEASE; Becker Generalized Myotonia; myotonia congenita, autosomal recessive. Identifiers: Orphanet 614, MedGen C0751360, MONDO:0009715, OMIM 255700.
Congenital myotonia, autosomal dominant form (THD). Also called: THOMSEN DISEASE; Myotonia congenita autosomal dominant. Identifiers: Orphanet 614, MedGen C2936781, MONDO:0008055, OMIM 160800.

Allele frequency attached by ClinVar (database versions not stated): gnomAD exomes 0.00001 and 0.00002; ExAC 0.00002.
gnomAD v4.1: 7 of 1,613,778 alleles (0.00043%); highest among the groups gnomAD compares: Admixed American, 0.0067%; no homozygotes.

Submission:

Labcorp Genetics (formerly Invitae), Labcorp
Classification: Uncertain significance for Congenital myotonia, autosomal recessive form; Congenital myotonia, autosomal dominant form. Last evaluated: 2026-01-03. Review status: criteria provided, single submitter. Criteria: Invitae Variant Classification Sherloc (09022015). Collection method: clinical testing. Allele origin: germline.
Comment: This sequence change replaces valine, which is neutral and non-polar, with alanine, which is neutral and non-polar, at codon 131 of the CLCN1 protein (p.Val131Ala). This variant is present in population databases (rs769391461, gnomAD 0.01%). This variant has not been reported in the literature in individuals affected with CLCN1-related conditions. ClinVar contains an entry for this variant (Variation ID: 1384699). Invitae Evidence Modeling of protein sequence and biophysical properties (such as structural, functional, and spatial information, amino acid conservation, physicochemical variation, residue mobility, and thermodynamic stability) has been performed for this missense variant. However, the output from this modeling did not meet the statistical confidence thresholds required to predict the impact of this variant on CLCN1 protein function. In summary, the available evidence is currently insufficient to determine the role of this variant in disease. Therefore, it has been classified as a Variant of Uncertain Significance.

NM_000083.3(CLCN1):c.392T>C (p.Val131Ala)

Gene: CLCN1 (chloride voltage-gated channel 1; plus strand). Cytogenetic location: 7q34.
Variant type: single nucleotide variant.
Coding change: c.392T>C on transcript NM_000083.3 (MANE Select); coding-DNA position 392, T replaced by C.
Protein change: p.Val131Ala; replaces valine 131 with alanine.
Molecular consequence: missense variant. On other transcripts: non-coding transcript variant (1).
Genome position (GRCh38, 1-based): chr7:143,320,754, T>C. VCF-style: chr7-143320754-T-C. GRCh37 (hg19) VCF-style: chr7-143017847-T-C.
Other names: short protein forms V131A.
Identifiers: ClinVar variation 1384699 (VCV001384699.4), dbSNP rs769391461, ClinGen allele CA4536923.